The following is an entry in ClinVar:

NM_020822.3(KCNT1):c.2012C>T (p.Thr671Ile)

Gene: KCNT1 (potassium sodium-activated channel subfamily T member 1; plus strand). Cytogenetic location: 9q34.3.
Variant type: single nucleotide variant.
Coding change: c.2012C>T on transcript NM_020822.3 (MANE Select); coding-DNA position 2012, C replaced by T.
Protein change: p.Thr671Ile; replaces threonine 671 with isoleucine.
Molecular consequence: missense variant.
Genome position (GRCh38, 1-based): chr9:135,772,718, C>T. VCF-style: chr9-135772718-C-T. GRCh37 (hg19) VCF-style: chr9-138664564-C-T.
Other names: c.1877C>T, p.Thr626Ile (NM_001272003.2); short protein forms T671I, T626I.
Identifiers: ClinVar variation 1401332 (VCV001401332.8), dbSNP rs1832838063, ClinGen allele CA375509893.

ClinVar aggregate classification (germline): Pathogenic (1 of 4 stars; one submission).

Conditions:
Autosomal dominant nocturnal frontal lobe epilepsy 5. Also called: CILIARY DYSKINESIA, PRIMARY, 28, WITH SITUS INVERSUS; KCNT1-Related Epilepsy; CILIARY DYSKINESIA, PRIMARY, 28, WITHOUT SITUS INVERSUS; Epilepsy, nocturnal frontal lobe, 5. Identifiers: Orphanet 98784, MedGen C3554306, MONDO:0014002, OMIM 615005.
Developmental and epileptic encephalopathy, 14 (DEE14). Also called: Early infantile epileptic encephalopathy 14. Identifiers: Orphanet 293181, MedGen C3554195, MONDO:0013989, OMIM 614959.

Allele frequency attached by ClinVar (database versions not stated): TOPMed below 0.00001; gnomAD 0.00001; gnomAD exomes 0.00001.
gnomAD v4.1: 11 of 1,393,078 alleles (0.00079%); highest among the groups gnomAD compares: Admixed American, 0.0035%; no homozygotes.

Submission:

Labcorp Genetics (formerly Invitae), Labcorp
Classification: Pathogenic for Autosomal dominant nocturnal frontal lobe epilepsy 5; Developmental and epileptic encephalopathy, 14. Last evaluated: 2022-06-13. Review status: criteria provided, single submitter. Criteria: Invitae Variant Classification Sherloc (09022015). Collection method: clinical testing. Allele origin: germline.
Comment: This sequence change replaces threonine, which is neutral and polar, with isoleucine, which is neutral and non-polar, at codon 671 of the KCNT1 protein (p.Thr671Ile). This variant is not present in population databases (gnomAD no frequency). This missense change has been observed in individual(s) with clinical features of KCNT1-related conditions (Invitae). In at least one individual the variant was observed to be de novo. Advanced modeling of protein sequence and biophysical properties (such as structural, functional, and spatial information, amino acid conservation, physicochemical variation, residue mobility, and thermodynamic stability) performed at Invitae indicates that this missense variant is expected to disrupt KCNT1 protein function. For these reasons, this variant has been classified as Pathogenic.